The following is an entry in ClinVar:

NM_003051.4(SLC16A1):c.946A>G (p.Met316Val)

Gene: SLC16A1 (solute carrier family 16 member 1; minus strand). Cytogenetic location: 1p13.2.
Variant type: single nucleotide variant.
Coding change: c.946A>G on transcript NM_003051.4 (MANE Select); coding-DNA position 946, A replaced by G.
Protein change: p.Met316Val; replaces methionine 316 with valine.
Molecular consequence: missense variant.
Genome position (GRCh38, 1-based): chr1:112,917,460, T>C on the plus strand (A>G on the coding strand, the complement: SLC16A1 is on the minus strand). VCF-style: chr1-112917460-T-C. GRCh37 (hg19) VCF-style: chr1-113460082-T-C.
Other names: c.946A>G (NM_003051.3); c.946A>G, p.Met316Val (NM_001166496.2); short protein forms M316V.
Identifiers: ClinVar variation 1909755 (VCV001909755.6), dbSNP rs766536741, ClinGen allele CA1011356.

ClinVar aggregate classification (germline): Uncertain significance. Review status: criteria provided, multiple submitters, no conflicts (2 of 4 stars). 2 submissions from 2 submitters: Uncertain significance (2). Last evaluated 2025-09-28.

Conditions:
Inborn genetic diseases. Identifiers: MedGen C0950123, MeSH D030342.

Allele frequency attached by ClinVar (database versions not stated): ExAC 0.00001; gnomAD exomes 0.00001; TOPMed 0.00001.

Submissions (2):

Ambry Genetics
Classification: Uncertain significance for Inborn genetic diseases. Last evaluated: 2025-09-28. Review status: criteria provided, single submitter. Criteria: Ambry Variant Classification Scheme 2023. Collection method: clinical testing. Allele origin: germline.

Labcorp Genetics (formerly Invitae), Labcorp
Classification: Uncertain significance. Last evaluated: 2022-05-27. Review status: criteria provided, single submitter. Criteria: Invitae Variant Classification Sherloc (09022015). Collection method: clinical testing. Allele origin: germline.
Comment: This variant is not present in population databases (gnomAD no frequency). This sequence change replaces methionine, which is neutral and non-polar, with valine, which is neutral and non-polar, at codon 316 of the SLC16A1 protein (p.Met316Val). This variant has not been reported in the literature in individuals affected with SLC16A1-related conditions. In summary, the available evidence is currently insufficient to determine the role of this variant in disease. Therefore, it has been classified as a Variant of Uncertain Significance. Algorithms developed to predict the effect of missense changes on protein structure and function are either unavailable or do not agree on the potential impact of this missense change (SIFT: "Deleterious"; PolyPhen-2: "Benign"; Align-GVGD: "Class C0").